The following is an entry in ClinVar:

NM_144670.6(A2ML1):c.720T>G (p.Ile240Met)

Gene: A2ML1 (alpha-2-macroglobulin like 1; plus strand). Cytogenetic location: 12p13.31.
Variant type: single nucleotide variant.
Coding change: c.720T>G on transcript NM_144670.6 (MANE Select); coding-DNA position 720, T replaced by G.
Protein change: p.Ile240Met; replaces isoleucine 240 with methionine.
Molecular consequence: missense variant.
Genome position (GRCh38, 1-based): chr12:8,836,331, T>G. VCF-style: chr12-8836331-T-G. GRCh37 (hg19) VCF-style: chr12-8988927-T-G.
Other names: short protein forms I240M.
Identifiers: ClinVar variation 3664248 (VCV003664248.2).
Genomic context (GRCh38, chr12:8,836,331, plus strand): 5'-GGTGGAAGTGGTGGAACCCAAGGAGTTATCAACGGTGCAGGAATCTTTCTTAGTAAAAAT[T>G]TGTTGTAGGTAAGAGCAGAAGCTTGGGATCTGGTGGAGATTAAAGATGCATCGAGAGACA-3'
Protein context (NP_653271.3, residues 230-250): STVQESFLVK[Ile240Met]CCRYTYGKPM

ClinVar aggregate classification (germline): Uncertain significance (1 of 4 stars; one submission).

Submission:

Labcorp Genetics (formerly Invitae), Labcorp
Classification: Uncertain significance. Last evaluated: 2024-09-02. Review status: criteria provided, single submitter. Criteria: Invitae Variant Classification Sherloc (09022015). Collection method: clinical testing. Allele origin: germline.
Comment: This sequence change replaces isoleucine, which is neutral and non-polar, with methionine, which is neutral and non-polar, at codon 240 of the A2ML1 protein (p.Ile240Met). This variant is not present in population databases (gnomAD no frequency). This variant has not been reported in the literature in individuals affected with A2ML1-related conditions. An algorithm developed to predict the effect of missense changes on protein structure and function (PolyPhen-2) suggests that this variant is likely to be disruptive. In summary, the available evidence is currently insufficient to determine the role of this variant in disease. Therefore, it has been classified as a Variant of Uncertain Significance.